The following is an entry in ClinVar:

ClinVar aggregate classification (germline): Pathogenic (1 of 4 stars; one submission).

Conditions:
Neurofibromatosis, type 1 (NF1). Also called: Peripheral type neurofibromatosis; VON RECKLINGHAUSEN DISEASE; NEUROFIBROMATOSIS, TYPE I, SOMATIC; Neurofibromatosis, type I. Identifiers: Orphanet 636, MedGen C0027831, MONDO:0018975, OMIM 162200. Disease mechanism: loss of function.

Submission:

Labcorp Genetics (formerly Invitae), Labcorp
Classification: Pathogenic for Neurofibromatosis, type 1. Last evaluated: 2018-06-21. Review status: criteria provided, single submitter. Criteria: Invitae Variant Classification Sherloc (09022015). Collection method: clinical testing. Allele origin: germline.
Comment: This variant is an out-of-frame deletion of the genomic region encompassing exons 9-35 of the NF1 gene. This is expected to create a premature translational stop signal and result in an absent or disrupted protein product. This variant has not been reported in the literature in individuals with NF1-related disease. Loss-of-function variants in NF1 are known to be pathogenic (PMID: 10712197, 23913538). For these reasons, this variant has been classified as Pathogenic.

NC_000017.11:g.(?_31200412)_(31265349_?)del

Gene: NF1 (neurofibromin 1; plus strand). Cytogenetic location: 17q11.2.
Variant type: Deletion.
Identifiers: ClinVar variation 584096 (VCV000584096.1).